The following is an entry in ClinVar:

NM_001301834.1(C12orf57):c.-15-204A>G

Gene: C12orf57 (chromosome 12 open reading frame 57; plus strand). Cytogenetic location: 12p13.31.
Variant type: single nucleotide variant.
Coding change: c.-15-204A>G on transcript NM_001301834.1; 204 bases into the intron before 15 bases upstream of the start codon, A replaced by G.
Molecular consequence: intron variant.
Genome position (GRCh38, 1-based): chr12:6,943,903, A>G. VCF-style: chr12-6943903-A-G. GRCh37 (hg19) VCF-style: chr12-7053066-A-G.
Other names: c.13+241A>G (NM_001301836.2).
Identifiers: ClinVar variation 4821114 (VCV004821114.4).

ClinVar aggregate classification (germline): Likely benign (1 of 4 stars; one submission).

gnomAD v4.1: 2,299 of 1,129,740 alleles (0.2%); highest among the groups gnomAD compares: Middle Eastern, 0.37%; 5 homozygotes.

Submission:

CeGaT Center for Human Genetics Tuebingen
Classification: Likely benign. Last evaluated: 2026-09-01. Review status: criteria provided, single submitter. Criteria: CeGaT Center For Human Genetics Tuebingen Variant Classification Criteria Version 2. Collection method: clinical testing. Allele origin: germline. Affected: yes. Observed: 3 variant alleles.
Comment: C12orf57: BS2